The following is an entry in ClinVar:

NM_005068.3(SIM1):c.1708G>A (p.Ala570Thr)

Gene: SIM1 (SIM bHLH transcription factor 1; minus strand). Cytogenetic location: 6q16.3.
Variant type: single nucleotide variant.
Coding change: c.1708G>A on transcript NM_005068.3 (MANE Select); coding-DNA position 1708, G replaced by A.
Protein change: p.Ala570Thr; replaces alanine 570 with threonine.
Molecular consequence: missense variant.
Genome position (GRCh38, 1-based): chr6:100,390,954, C>T on the plus strand (G>A on the coding strand, the complement: SIM1 is on the minus strand). VCF-style: chr6-100390954-C-T. GRCh37 (hg19) VCF-style: chr6-100838830-C-T.
Other names: c.1708G>A, p.Ala570Thr (NM_001374769.1); short protein forms A570T.
Identifiers: ClinVar variation 4993145 (VCV004993145.1).

ClinVar aggregate classification (germline): Uncertain significance (1 of 4 stars; one submission).

Conditions:
SIM1-related disorder. Also called: SIM1-related disorders; SIM1-related condition.

Submission:

PreventionGenetics, part of Exact Sciences
Classification: Uncertain significance for SIM1-related condition. Last evaluated: 2026-06-13. Review status: criteria provided, single submitter. Criteria: ACMG Guidelines, 2015. Collection method: clinical testing. Allele origin: germline.
Comment: The SIM1 c.1708G>A variant is predicted to result in the amino acid substitution p.Ala570Thr. To our knowledge, this variant has not been reported in the literature. This variant is reported in 0.0029% of alleles in individuals of Latino descent in gnomAD. At this time, the clinical significance of this variant is uncertain due to the absence of conclusive functional and genetic evidence.